The following is an entry in ClinVar:

ClinVar aggregate classification (germline): Uncertain significance (1 of 4 stars; one submission).

Conditions:
Combined immunodeficiency due to LRBA deficiency. Also called: Common variable immunodeficiency 8, with autoimmunity. Identifiers: Orphanet 445018, MedGen C3553512, MONDO:0013863, OMIM 614700.

Allele frequency attached by ClinVar (database versions not stated): gnomAD exomes below 0.00001.
gnomAD v4.1: 5 of 1,606,220 alleles (0.00031%); highest among the groups gnomAD compares: Non-Finnish European, 0.00043%; no homozygotes.

Submission:

Labcorp Genetics (formerly Invitae), Labcorp
Classification: Uncertain significance for Combined immunodeficiency due to LRBA deficiency. Last evaluated: 2024-02-17. Review status: criteria provided, single submitter. Criteria: Invitae Variant Classification Sherloc (09022015). Collection method: clinical testing. Allele origin: germline.
Comment: This sequence change replaces valine, which is neutral and non-polar, with leucine, which is neutral and non-polar, at codon 1519 of the LRBA protein (p.Val1519Leu). This variant is not present in population databases (gnomAD no frequency). This variant has not been reported in the literature in individuals affected with LRBA-related conditions. ClinVar contains an entry for this variant (Variation ID: 2066375). Advanced modeling of protein sequence and biophysical properties (such as structural, functional, and spatial information, amino acid conservation, physicochemical variation, residue mobility, and thermodynamic stability) performed at Invitae indicates that this missense variant is expected to disrupt LRBA protein function with a positive predictive value of 80%. In summary, the available evidence is currently insufficient to determine the role of this variant in disease. Therefore, it has been classified as a Variant of Uncertain Significance.

NM_001364905.1(LRBA):c.4555G>C (p.Val1519Leu)

Gene: LRBA (LPS responsive beige-like anchor protein; minus strand). Cytogenetic location: 4q31.3.
Variant type: single nucleotide variant.
Coding change: c.4555G>C on transcript NM_001364905.1 (MANE Select); coding-DNA position 4555, G replaced by C.
Protein change: p.Val1519Leu; replaces valine 1519 with leucine.
Molecular consequence: missense variant.
Genome position (GRCh38, 1-based): chr4:150,844,114, C>G on the plus strand (G>C on the coding strand, the complement: LRBA is on the minus strand). VCF-style: chr4-150844114-C-G. GRCh37 (hg19) VCF-style: chr4-151765266-C-G.
Other names: c.4555G>C, p.Val1519Leu (NM_001199282.3, NM_001367550.1, NM_006726.5); short protein forms V1519L.
Identifiers: ClinVar variation 2066375 (VCV002066375.4), dbSNP rs2043332296, ClinGen allele CA358450513.